The following is an entry in ClinVar:

ClinVar aggregate classification (germline): Uncertain significance (1 of 4 stars; one submission).

gnomAD v4.1: 1 of 1,614,174 alleles (0.000062%); highest among the groups gnomAD compares: Non-Finnish European, 0.000085%; no homozygotes.

Submission:

Labcorp Genetics (formerly Invitae), Labcorp
Classification: Uncertain significance. Last evaluated: 2024-05-16. Review status: criteria provided, single submitter. Criteria: Invitae Variant Classification Sherloc (09022015). Collection method: clinical testing. Allele origin: germline.
Comment: This sequence change replaces cysteine, which is neutral and slightly polar, with arginine, which is basic and polar, at codon 64 of the PCNT protein (p.Cys64Arg). This variant is not present in population databases (gnomAD no frequency). This variant has not been reported in the literature in individuals affected with PCNT-related conditions. Algorithms developed to predict the effect of missense changes on protein structure and function output the following: SIFT: "Not Available"; PolyPhen-2: "Benign"; Align-GVGD: "Not Available". The arginine amino acid residue is found in multiple mammalian species, which suggests that this missense change does not adversely affect protein function. In summary, the available evidence is currently insufficient to determine the role of this variant in disease. Therefore, it has been classified as a Variant of Uncertain Significance.

NM_006031.6(PCNT):c.190T>C (p.Cys64Arg)

Gene: PCNT (pericentrin; plus strand). Cytogenetic location: 21q22.3.
Variant type: single nucleotide variant.
Coding change: c.190T>C on transcript NM_006031.6 (MANE Select); coding-DNA position 190, T replaced by C.
Protein change: p.Cys64Arg; replaces cysteine 64 with arginine.
Molecular consequence: missense variant. On other transcripts: 5 prime UTR variant (1).
Genome position (GRCh38, 1-based): chr21:46,326,512, T>C. VCF-style: chr21-46326512-T-C. GRCh37 (hg19) VCF-style: chr21-47746426-T-C.
Other names: c.-165T>C (NM_001315529.2); short protein forms C64R.
Identifiers: ClinVar variation 3671035 (VCV003671035.2).